The following is an entry in ClinVar:

NM_005228.5(EGFR):c.1562_1563delinsAC (p.Arg521Asn)

Gene: EGFR (epidermal growth factor receptor; plus strand). Cytogenetic location: 7p11.2.
Variant type: Indel.
Coding change: c.1562_1563delinsAC on transcript NM_005228.5 (MANE Select); coding-DNA positions 1562 to 1563, GG replaced by AC.
Protein change: p.Arg521Asn; replaces arginine 521 with asparagine.
Molecular consequence: missense variant.
Genome position (GRCh38, 1-based): chr7:55,161,562-55,161,563, GG replaced by AC. VCF-style: chr7-55161562-GG-AC. GRCh37 (hg19) VCF-style: chr7-55229255-GG-AC.
Other names: c.1427_1428delinsAC, p.Arg476Asn (NM_001346897.2, NM_001346899.2); c.1562_1563delinsAC, p.Arg521Asn (NM_001346898.2, NM_201282.2, NM_201284.2); c.1403_1404delinsAC, p.Arg468Asn (NM_001346900.2); c.761_762delinsAC, p.Arg254Asn (NM_001346941.2); c.1562_1563delGGinsAC (NM_005228.3); short protein forms R468N, R521N, R254N, R476N.
Identifiers: ClinVar variation 1463043 (VCV001463043.7), dbSNP rs2128942880, ClinGen allele CA2573142270.

ClinVar aggregate classification (germline): Uncertain significance. Review status: criteria provided, multiple submitters, no conflicts (2 of 4 stars). 2 submissions from 2 submitters: Uncertain significance (2). Last evaluated 2025-04-13.

Conditions:
Hereditary cancer-predisposing syndrome. Also called: Tumor predisposition; Hereditary neoplastic syndrome; Hereditary Cancer Syndrome; Neoplastic Syndromes, Hereditary. Identifiers: Orphanet 140162, MedGen C0027672, MeSH D009386, MONDO:0015356.
EGFR-related lung cancer (EGFR). Identifiers: MedGen CN130014.

Submissions (2):

Ambry Genetics
Classification: Uncertain significance for Hereditary cancer-predisposing syndrome. Last evaluated: 2025-04-13. Review status: criteria provided, single submitter. Criteria: Ambry Variant Classification Scheme 2023. Collection method: clinical testing. Allele origin: germline.
Comment: The c.1562_1563delGGinsAC variant, located in coding exon 13 of the EGFR gene, results from an in-frame deletion of GG and insertion of AC at nucleotide positions 1562 to 1563. This results in the substitution of the arginine residue for an asparagine residue at codon 521, an amino acid with similar properties. This amino acid position is poorly conserved in available vertebrate species. In addition, this alteration is predicted to be neutral by in silico analysis (Choi Y et al. PLoS ONE. 2012; 7(10):e46688). Based on the available evidence, the clinical significance of this variant remains unclear.

Labcorp Genetics (formerly Invitae), Labcorp
Classification: Uncertain significance for EGFR-related lung cancer. Last evaluated: 2025-01-22. Review status: criteria provided, single submitter. Criteria: Invitae Variant Classification Sherloc (09022015). Collection method: clinical testing. Allele origin: germline.
Comment: This sequence change replaces arginine, which is basic and polar, with asparagine, which is neutral and polar, at codon 521 of the EGFR protein (p.Arg521Asn). Information on the frequency of this variant in the gnomAD database is not available, as this variant may be reported differently in the database. This variant has not been reported in the literature in individuals affected with EGFR-related conditions. ClinVar contains an entry for this variant (Variation ID: 1463043). An algorithm developed to predict the effect of missense changes on protein structure and function (PolyPhen-2) suggests that this variant is likely to be tolerated. In summary, the available evidence is currently insufficient to determine the role of this variant in disease. Therefore, it has been classified as a Variant of Uncertain Significance.